The following is an entry in ClinVar:

NM_001312673.2(PCYT1A):c.355C>T (p.His119Tyr)

Genes: PCYT1A (phosphate cytidylyltransferase 1A, choline; minus strand), LOC126806932 (BRD4-independent group 4 enhancer GRCh37_chr3:195973646-195974845; plus strand). Cytogenetic location: 3q29.
Variant type: single nucleotide variant.
Coding change: c.355C>T on transcript NM_001312673.2 (MANE Select); coding-DNA position 355, C replaced by T.
Protein change: p.His119Tyr; replaces histidine 119 with tyrosine.
Molecular consequence: missense variant.
Genome position (GRCh38, 1-based): chr3:196,247,498, G>A on the plus strand (C>T on the coding strand, the complement: PCYT1A is on the minus strand). VCF-style: chr3-196247498-G-A. GRCh37 (hg19) VCF-style: chr3-195974369-G-A.
Other names: c.355C>T, p.His119Tyr (NM_005017.4); short protein forms H119Y.
Identifiers: ClinVar variation 1469536 (VCV001469536.6), dbSNP rs758461951, ClinGen allele CA2779545.

ClinVar aggregate classification (germline): Uncertain significance (1 of 4 stars; one submission).

Allele frequency attached by ClinVar (database versions not stated): TOPMed below 0.00001; gnomAD exomes 0.00001 and 0.00002; ExAC 0.00002.
gnomAD v4.1: 6 of 1,614,134 alleles (0.00037%); highest among the groups gnomAD compares: Admixed American, 0.0083%; no homozygotes.

Submission:

Labcorp Genetics (formerly Invitae), Labcorp
Classification: Uncertain significance. Last evaluated: 2021-02-12. Review status: criteria provided, single submitter. Criteria: Invitae Variant Classification Sherloc (09022015). Collection method: clinical testing. Allele origin: germline.
Comment: In summary, the available evidence is currently insufficient to determine the role of this variant in disease. Therefore, it has been classified as a Variant of Uncertain Significance. Advanced modeling of protein sequence and biophysical properties (such as structural, functional, and spatial information, amino acid conservation, physicochemical variation, residue mobility, and thermodynamic stability) performed at Invitae indicates that this missense variant is expected to disrupt PCYT1A protein function. This variant has not been reported in the literature in individuals with PCYT1A-related conditions. This variant is present in population databases (rs758461951, ExAC 0.03%). This sequence change replaces histidine with tyrosine at codon 119 of the PCYT1A protein (p.His119Tyr). The histidine residue is highly conserved and there is a moderate physicochemical difference between histidine and tyrosine.